The following is an entry in ClinVar:

ClinVar aggregate classification (germline): Conflicting classifications of pathogenicity. Review status: criteria provided, conflicting classifications (1 of 4 stars). 6 submissions from 6 submitters: Uncertain significance (4); Likely benign (1). 1 of the submissions does not count toward it. Last evaluated 2026-09-03.

Conditions:
Cardiovascular phenotype. Identifiers: MedGen CN230736.
Alstrom syndrome (ALMS). Identifiers: Orphanet 64, MedGen C0268425, MONDO:0008763, OMIM 203800.

Allele frequency attached by ClinVar (database versions not stated): gnomAD exomes 0.00005; ExAC 0.00007; gnomAD 0.00012 and 0.00014; ESP Exome Variant Server 0.00017; TOPMed 0.00018.
gnomAD v4.1: 44 of 1,613,548 alleles (0.0027%); highest among the groups gnomAD compares: African/African-American, 0.047%; no homozygotes.

Submissions (6):

GeneDx
Classification: Uncertain significance. Last evaluated: 2026-09-03. Review status: criteria provided, single submitter. Criteria: GeneDx Variant Classification Process June 2021. Collection method: clinical testing. Allele origin: germline.
Comment: In silico analysis suggests that this missense variant does not alter protein structure/function; Has not been previously published as pathogenic or benign to our knowledge

Blueprint Genetics
Classification: Uncertain significance. Last evaluated: 2024-07-06. Review status: criteria provided, single submitter. Criteria: ACMG Guidelines, 2015. Collection method: clinical testing. Allele origin: germline.

Ambry Genetics
Classification: Likely benign for Cardiovascular phenotype. Last evaluated: 2023-01-27. Review status: criteria provided, single submitter. Criteria: Ambry Variant Classification Scheme 2023. Collection method: clinical testing. Allele origin: germline.

Labcorp Genetics (formerly Invitae), Labcorp
Classification: Uncertain significance for Alstrom syndrome. Last evaluated: 2022-08-31. Review status: criteria provided, single submitter. Criteria: Invitae Variant Classification Sherloc (09022015). Collection method: clinical testing. Allele origin: germline.
Comment: This sequence change replaces glutamine, which is neutral and polar, with arginine, which is basic and polar, at codon 120 of the ALMS1 protein (p.Gln120Arg). This variant is present in population databases (rs371516347, gnomAD 0.06%). This variant has not been reported in the literature in individuals affected with ALMS1-related conditions. ClinVar contains an entry for this variant (Variation ID: 403945). Experimental studies and prediction algorithms are not available or were not evaluated, and the functional significance of this variant is currently unknown. In summary, the available evidence is currently insufficient to determine the role of this variant in disease. Therefore, it has been classified as a Variant of Uncertain Significance.

Fulgent Genetics
Classification: Uncertain significance for Alstrom syndrome. Last evaluated: 2022-02-10. Review status: criteria provided, single submitter. Criteria: ACMG Guidelines, 2015. Collection method: clinical testing. Allele origin: unknown.

Natera, Inc.
Classification: Uncertain significance for Alstrom syndrome. Last evaluated: 2019-10-28. Review status: no assertion criteria provided. Collection method: clinical testing. Allele origin: germline. Not counted in ClinVar's aggregate classification.

NM_001378454.1(ALMS1):c.356A>G (p.Gln119Arg)

Gene: ALMS1 (ALMS1 centrosome and basal body associated protein; plus strand). Cytogenetic location: 2p13.1.
Variant type: single nucleotide variant.
Coding change: c.356A>G on transcript NM_001378454.1 (MANE Select); coding-DNA position 356, A replaced by G.
Protein change: p.Gln119Arg; replaces glutamine 119 with arginine.
Molecular consequence: missense variant.
Genome position (GRCh38, 1-based): chr2:73,408,653, A>G. VCF-style: chr2-73408653-A-G. GRCh37 (hg19) VCF-style: chr2-73635781-A-G.
Other names: c.359A>G, p.Gln120Arg (NM_015120.4); short protein forms Q120R, Q119R.
Identifiers: ClinVar variation 403945 (VCV000403945.17), dbSNP rs371516347, ClinGen allele CA1712819.